The following is an entry in ClinVar:

NM_000381.4(MID1):c.1698A>G (p.Glu566=)

Genes: MID1 (midline 1; minus strand), LOC126863207 (BRD4-independent group 4 enhancer GRCh37_chrX:10416979-10418178; plus strand). Cytogenetic location: Xp22.2.
Variant type: single nucleotide variant.
Coding change: c.1698A>G on transcript NM_000381.4 (MANE Select); coding-DNA position 1698, A replaced by G.
Protein change: p.Glu566=; no amino-acid change (glutamic acid 566 retained).
Molecular consequence: synonymous variant.
Genome position (GRCh38, 1-based): chrX:10,449,674, T>C on the plus strand (A>G on the coding strand, the complement: MID1 is on the minus strand). VCF-style: chrX-10449674-T-C. GRCh37 (hg19) VCF-style: chrX-10417714-T-C.
Other names: c.1698A>G, p.Glu566= (NM_001098624.2, NM_001193277.1, NM_001347733.2 and 1 more transcripts); c.1584A>G, p.Glu528= (NM_033289.2).
Identifiers: ClinVar variation 497698 (VCV000497698.21), dbSNP rs34554583, ClinGen allele CA10347418.

ClinVar aggregate classification (germline): Benign/Likely benign. Review status: criteria provided, multiple submitters, no conflicts (2 of 4 stars). 4 submissions from 4 submitters: Benign (2); Likely benign (1). 1 of the submissions does not count toward it. Last evaluated 2026-01-26.

Conditions:
MID1-related disorder. Also called: MID1-related condition.
Inborn genetic diseases. Identifiers: MedGen C0950123, MeSH D030342.

Allele frequency attached by ClinVar (database versions not stated): ExAC 0.00050; gnomAD exomes 0.00052 and 0.00020; gnomAD 0.00225 and 0.00241; ESP Exome Variant Server 0.00237; TOPMed 0.00266; 1000 Genomes Project 0.00291; 1000 Genomes Project 30x 0.00291.
gnomAD v4.1: 490 of 1,209,766 alleles (0.041%); highest among the groups gnomAD compares: African/African-American, 0.71%; 1 homozygote.

Submissions (4):

Labcorp Genetics (formerly Invitae), Labcorp
Classification: Benign. Last evaluated: 2026-01-26. Review status: criteria provided, single submitter. Criteria: Invitae Variant Classification Sherloc (09022015). Collection method: clinical testing. Allele origin: germline.

Eurofins Ntd Llc (ga)
Classification: Benign. Last evaluated: 2016-10-31. Review status: criteria provided, single submitter. Criteria: EGL Classification Definitions 2015. Collection method: clinical testing. Allele origin: germline. Observed: 1 variant allele, 1 heterozygote.

Ambry Genetics
Classification: Likely benign for Inborn genetic diseases. Last evaluated: 2016-05-02. Review status: criteria provided, single submitter. Criteria: Ambry Variant Classification Scheme 2023. Collection method: clinical testing. Allele origin: germline.

PreventionGenetics, part of Exact Sciences
Classification: Benign for MID1-related condition. Last evaluated: 2019-08-07. Review status: no assertion criteria provided. Collection method: clinical testing. Allele origin: germline. Not counted in ClinVar's aggregate classification.
Comment: This variant is classified as benign based on ACMG/AMP sequence variant interpretation guidelines (Richards et al. 2015 PMID: 25741868, with internal and published modifications).